The following is an entry in ClinVar:

NM_001110556.2(FLNA):c.510G>C (p.Gln170His)

Gene: FLNA (filamin A; minus strand). Cytogenetic location: Xq28.
Variant type: single nucleotide variant.
Coding change: c.510G>C on transcript NM_001110556.2 (MANE Select); coding-DNA position 510, G replaced by C.
Protein change: p.Gln170His; replaces glutamine 170 with histidine.
Molecular consequence: missense variant.
Genome position (GRCh38, 1-based): chrX:154,367,954, C>G on the plus strand (G>C on the coding strand, the complement: FLNA is on the minus strand). VCF-style: chrX-154367954-C-G. GRCh37 (hg19) VCF-style: chrX-153596322-C-G.
Other names: c.510G>C, p.Gln170His (NM_001456.4); short protein forms Q170H.
Identifiers: ClinVar variation 2946367 (VCV002946367.3), dbSNP rs2522765305, ClinGen allele CA415249748.

ClinVar aggregate classification (germline): Uncertain significance (1 of 4 stars; one submission).

Conditions:
Oto-palato-digital syndrome, type II (OPD2). Also called: FACIOPALATOOSSEOUS SYNDROME; OPD II SYNDROME; Otopalatodigital Syndrome, Type II; Otopalatodigital Syndrome Type 2 (FLNA-OPD2). Identifiers: Orphanet 669, Orphanet 90652, MedGen C1844696, MONDO:0010571, OMIM 304120.
Heterotopia, periventricular, X-linked dominant (PVNH1). Also called: PERIVENTRICULAR NODULAR HETEROTOPIA 1; X-linked periventricular heterotopia; PERIVENTRICULAR NODULAR HETEROTOPIA 4; HETEROTOPIA, PERIVENTRICULAR, 1. Identifiers: Orphanet 2149, Orphanet 82004, MedGen C1848213, MONDO:0010233, OMIM 300049.
Frontometaphyseal dysplasia (FMD1). Identifiers: Orphanet 1826, MedGen C0265293, MONDO:0015942.
Melnick-Needles syndrome (MNS). Also called: MELNICK-NEEDLES OSTEODYSPLASTY; OSTEODYSPLASTY OF MELNICK AND NEEDLES; Melnick-Needles Syndrome (FLNA-MNS). Identifiers: Orphanet 2484, MedGen C0025237, MONDO:0010650, OMIM 309350.

Submission:

Labcorp Genetics (formerly Invitae), Labcorp
Classification: Uncertain significance for Oto-palato-digital syndrome, type II; Heterotopia, periventricular, X-linked dominant; Frontometaphyseal dysplasia; Melnick-Needles syndrome. Last evaluated: 2023-04-09. Review status: criteria provided, single submitter. Criteria: Invitae Variant Classification Sherloc (09022015). Collection method: clinical testing. Allele origin: germline.
Comment: In summary, the available evidence is currently insufficient to determine the role of this variant in disease. Therefore, it has been classified as a Variant of Uncertain Significance. Advanced modeling of protein sequence and biophysical properties (such as structural, functional, and spatial information, amino acid conservation, physicochemical variation, residue mobility, and thermodynamic stability) performed at Invitae indicates that this missense variant is not expected to disrupt FLNA protein function. This variant has not been reported in the literature in individuals affected with FLNA-related conditions. This variant is not present in population databases (gnomAD no frequency). This sequence change replaces glutamine, which is neutral and polar, with histidine, which is basic and polar, at codon 170 of the FLNA protein (p.Gln170His).